The following is an entry in ClinVar:

NM_198576.4(AGRN):c.1696G>A (p.Val566Met)

Gene: AGRN (agrin; plus strand). Cytogenetic location: 1p36.33.
Variant type: single nucleotide variant.
Coding change: c.1696G>A on transcript NM_198576.4 (MANE Select); coding-DNA position 1696, G replaced by A.
Protein change: p.Val566Met; replaces valine 566 with methionine.
Molecular consequence: missense variant.
Genome position (GRCh38, 1-based): chr1:1,043,630, G>A. VCF-style: chr1-1043630-G-A. GRCh37 (hg19) VCF-style: chr1-979010-G-A.
Other names: c.1696G>A, p.Val566Met (NM_001305275.2); c.1381G>A, p.Val461Met (NM_001364727.2); short protein forms V566M, V461M.
Identifiers: ClinVar variation 581790 (VCV000581790.5), dbSNP rs754169694, ClinGen allele CA508297.

ClinVar aggregate classification (germline): Uncertain significance (1 of 4 stars; one submission).

Conditions:
Congenital myasthenic syndrome 8. Also called: MYASTHENIC SYNDROME, CONGENITAL, DUE TO AGRIN DEFICIENCY; Myasthenic syndrome, congenital, 8, with pre- and postsynaptic defects. Identifiers: Orphanet 590, MedGen C3808739, MONDO:0014052, OMIM 615120.

Allele frequency attached by ClinVar (database versions not stated): ExAC 0.00002; TOPMed 0.00001; gnomAD exomes 0.00002.
gnomAD v4.1: 36 of 1,603,546 alleles (0.0022%); highest among the groups gnomAD compares: East Asian, 0.0089%; no homozygotes.

Submission:

Labcorp Genetics (formerly Invitae), Labcorp
Classification: Uncertain significance for Congenital myasthenic syndrome 8. Last evaluated: 2022-08-10. Review status: criteria provided, single submitter. Criteria: Invitae Variant Classification Sherloc (09022015). Collection method: clinical testing. Allele origin: germline.
Comment: This sequence change replaces valine, which is neutral and non-polar, with methionine, which is neutral and non-polar, at codon 566 of the AGRN protein (p.Val566Met). The frequency data for this variant in the population databases is considered unreliable, as metrics indicate poor data quality at this position in the gnomAD database. This variant has not been reported in the literature in individuals affected with AGRN-related conditions. ClinVar contains an entry for this variant (Variation ID: 581790). Algorithms developed to predict the effect of missense changes on protein structure and function are either unavailable or do not agree on the potential impact of this missense change (SIFT: "Deleterious"; PolyPhen-2: "Possibly Damaging"; Align-GVGD: "Class C0"). In summary, the available evidence is currently insufficient to determine the role of this variant in disease. Therefore, it has been classified as a Variant of Uncertain Significance.